The following is an entry in ClinVar:

NM_004006.3(DMD):c.832-18_832-17delinsGA

Gene: DMD (dystrophin; minus strand). Cytogenetic location: Xp21.1.
Variant type: Indel.
Coding change: c.832-18_832-17delinsGA on transcript NM_004006.3 (MANE Select); 18 bases into the intron before coding-DNA position 832 through 17 bases into the intron before coding-DNA position 832, CC replaced by GA.
Molecular consequence: intron variant.
Genome position (GRCh38, 1-based): chrX:32,698,015-32,698,016, GG replaced by TC on the plus strand (CC replaced by GA on the coding strand, the reverse complement: DMD is on the minus strand). VCF-style: chrX-32698015-GG-TC. GRCh37 (hg19) VCF-style: chrX-32716132-GG-TC.
Other names: c.808-18_808-17delinsGA (NM_000109.4); c.820-18_820-17delinsGA (NM_004009.3); c.463-18_463-17delinsGA (NM_004010.3).
Identifiers: ClinVar variation 993988 (VCV000993988.22), dbSNP rs2063783358, ClinGen allele CA1139667397.

ClinVar aggregate classification (germline): Benign/Likely benign. Review status: criteria provided, multiple submitters, no conflicts (2 of 4 stars). 3 submissions from 3 submitters: Benign (2); Likely benign (1). Last evaluated 2026-02-04.

Conditions:
Duchenne muscular dystrophy (DMD). Also called: MUSCULAR DYSTROPHY, PSEUDOHYPERTROPHIC PROGRESSIVE, DUCHENNE TYPE; Duchenne Muscular Dystrophy (DMD). Identifiers: Orphanet 98896, MedGen C0013264, MONDO:0010679, OMIM 310200.

Submissions (3):

Labcorp Genetics (formerly Invitae), Labcorp
Classification: Likely benign for Duchenne muscular dystrophy. Last evaluated: 2026-02-04. Review status: criteria provided, single submitter. Criteria: Invitae Variant Classification Sherloc (09022015). Collection method: clinical testing. Allele origin: germline.

ARUP Laboratories, Molecular Genetics and Genomics, ARUP Laboratories
Classification: Benign. Last evaluated: 2023-11-07. Review status: criteria provided, single submitter. Criteria: ARUP Molecular Germline Variant Investigation Process 2024. Collection method: clinical testing. Allele origin: germline.

Women's Health and Genetics/Laboratory Corporation of America, LabCorp
Classification: Benign. Last evaluated: 2021-01-29. Review status: criteria provided, single submitter. Criteria: LabCorp Variant Classification Summary - May 2015. Collection method: clinical testing. Allele origin: germline.
Comment: Variant summary: DMD c.832-18_832-17delinsGA alters a non-conserved nucleotide located close to a canonical splice site and therefore could affect mRNA splicing, leading to a significantly altered protein sequence. 4/4 computational tools predict no significant impact on normal splicing. However, these predictions have yet to be confirmed by functional studies. The variant allele was found at a frequency of approximately 0.016 in 157014 control chromosomes in the gnomAD database, including 28 homozygotes. The observed variant frequency is approximately 1492- fold the estimated maximal expected allele frequency for a pathogenic variant in DMD causing Dystrophinopathies phenotype (1.1e-05), strongly suggesting that the variant is benign. c.832-18_832-17delinsGA has been reported in the literature in individuals affected with Dystrophinopathies without strong evidence for causality (e.g. Almomani_2009, Juan-Mateu_2015). In one of these publications, co-occurrence with another unspecified pathogenic variant was reported (e.g. Almomani_2009), providing supporting evidence for a benign role. To our knowledge, no experimental evidence demonstrating an impact on protein function has been reported. No clinical diagnostic laboratories have submitted clinical-significance assessments for this variant to ClinVar after 2014. Based on the evidence outlined above, the variant was classified as benign.

Literature cited by the submitters: PubMed 19409785 (cited by Women's Health and Genetics/Laboratory Corporation of America, LabCorp); PubMed 26284620 (cited by Women's Health and Genetics/Laboratory Corporation of America, LabCorp).